The following is an entry in ClinVar:

NM_000071.3(CBS):c.976A>G (p.Ser326Gly)

Gene: CBS (cystathionine beta-synthase; minus strand). Cytogenetic location: 21q22.3.
Variant type: single nucleotide variant.
Coding change: c.976A>G on transcript NM_000071.3 (MANE Select); coding-DNA position 976, A replaced by G.
Protein change: p.Ser326Gly; replaces serine 326 with glycine.
Molecular consequence: missense variant.
Genome position (GRCh38, 1-based): chr21:43,062,374, T>C on the plus strand (A>G on the coding strand, the complement: CBS is on the minus strand). VCF-style: chr21-43062374-T-C. GRCh37 (hg19) VCF-style: chr21-44482484-T-C.
Other names: c.976A>G, p.Ser326Gly (NM_001178008.3, NM_001178009.3, NM_001320298.2); c.661A>G, p.Ser221Gly (NM_001321072.1); short protein forms S221G, S326G.
Identifiers: ClinVar variation 4687958 (VCV004687958.1).

ClinVar aggregate classification (germline): Uncertain significance (1 of 4 stars; one submission).

Conditions:
Classic homocystinuria. Also called: HOMOCYSTINURIA WITH OR WITHOUT RESPONSE TO PYRIDOXINE; Homocystinuria due to CBS deficiency; Cystathionine beta-synthase deficiency; CBS deficiency; Homocystinuria due to Cystathionine Beta-Synthase Deficiency. Identifiers: Orphanet 394, MedGen C0751202, MONDO:0009352, OMIM 236200.

Submission:

Human Genetics Bochum, Ruhr University Bochum
Classification: Uncertain significance for Classic homocystinuria. Last evaluated: 2025-09-12. Review status: criteria provided, single submitter. Criteria: ACMG Guidelines, 2015. Collection method: clinical testing. Allele origin: germline. Affected: yes.
Comment: in compound heterozygous state with c.341C>T; ACMG criteria used to clasify this variant: PM1_SUP, PM2_SUP, PP2, PP3